The following is an entry in ClinVar:

ClinVar aggregate classification (germline): Uncertain significance (1 of 4 stars; one submission).

Conditions:
Familial intrahepatic cholestasis. Identifiers: Orphanet 284385, MedGen CN296401, MONDO:0017290.

gnomAD v4.1: 3 of 1,613,736 alleles (0.00019%); highest among the groups gnomAD compares: Non-Finnish European, 0.00017%; no homozygotes.

Submission:

Genomenon, Inc
Classification: Uncertain significance for Familial intrahepatic cholestasis. Last evaluated: 2026-04-14. Review status: criteria provided, single submitter. Criteria: Genomenon Sequence Variant Interpretation Standards - Updated. Collection method: curation. Allele origin: germline. Affected: yes.
Comment: ABCB11 p.Tyr93Ser (c.278A>C) is a missense variant that changes the amino acid at residue 93 from Tyrosine to Serine. This variant has been observed in at least one proband with an ABCB11-related disorder (PMID:39768432). The variant was found to segregate with disease in at least one affected family (PMID:39768432). It is absent or not present at a significant frequency in gnomAD. In conclusion, we classify ABCB11 p.Tyr93Ser (c.278A>C) as a variant of uncertain significance.

Literature cited by the submitters: PubMed 39768432.

NM_003742.4(ABCB11):c.278A>C (p.Tyr93Ser)

Gene: ABCB11 (ATP binding cassette subfamily B member 11; minus strand). Cytogenetic location: 2q31.1.
Variant type: single nucleotide variant.
Coding change: c.278A>C on transcript NM_003742.4 (MANE Select); coding-DNA position 278, A replaced by C.
Protein change: p.Tyr93Ser; replaces tyrosine 93 with serine.
Molecular consequence: missense variant.
Genome position (GRCh38, 1-based): chr2:169,013,383, T>G on the plus strand (A>C on the coding strand, the complement: ABCB11 is on the minus strand). VCF-style: chr2-169013383-T-G. GRCh37 (hg19) VCF-style: chr2-169869893-T-G.
Other names: short protein forms Y93S.
Identifiers: ClinVar variation 4846233 (VCV004846233.1).